The following is an entry in ClinVar:

NM_002878.4(RAD51D):c.707C>T (p.Thr236Ile)

Genes: RAD51L3-RFFL (RAD51L3-RFFL readthrough; minus strand), RAD51D (RAD51 paralog D; minus strand). Cytogenetic location: 17q12.
Variant type: single nucleotide variant.
Coding change: c.707C>T on transcript NM_002878.4 (MANE Select); coding-DNA position 707, C replaced by T.
Protein change: p.Thr236Ile; replaces threonine 236 with isoleucine.
Molecular consequence: missense variant. On other transcripts: non-coding transcript variant (3).
Genome position (GRCh38, 1-based): chr17:35,103,285, G>A on the plus strand (C>T on the coding strand, the complement: RAD51D is on the minus strand). VCF-style: chr17-35103285-G-A. GRCh37 (hg19) VCF-style: chr17-33430304-G-A.
Other names: c.767C>T, p.Thr256Ile (NM_001142571.2); c.371C>T, p.Thr124Ile (NM_133629.3); short protein forms T236I, T124I, T256I.
Identifiers: ClinVar variation 2749663 (VCV002749663.4), dbSNP rs2142418390, ClinGen allele CA399087583.
Genomic context (GRCh38, chr17:35,103,285, plus strand): 5'-AAGTTCATTGGCCAAGCCTGCTTCCTCACCACCACTGCCATGCCAAGGTCCCGGGCCAGG[G>A]TCTTCAGCTCTCGGGCCAGCTGCATCATCAAGGCCAAGCCTGCAGGAGGAGGAGAAGCAG-3'
Protein context (NP_002869.3, residues 226-246): LMMQLARELK[Thr236Ile]LARDLGMAVV

ClinVar aggregate classification (germline): Uncertain significance. Review status: criteria provided, multiple submitters, no conflicts (2 of 4 stars). 2 submissions from 2 submitters: Uncertain significance (2). Last evaluated 2023-11-13.

Conditions:
Hereditary cancer-predisposing syndrome. Also called: Hereditary Cancer Syndrome; Neoplastic Syndromes, Hereditary; Tumor predisposition; Hereditary neoplastic syndrome. Identifiers: Orphanet 140162, MedGen C0027672, MeSH D009386, MONDO:0015356.
Breast-ovarian cancer, familial, susceptibility to, 4. Identifiers: Orphanet 145, MedGen C3280345, MONDO:0013669, OMIM 614291.

Submissions (2):

Ambry Genetics
Classification: Uncertain significance for Hereditary cancer-predisposing syndrome. Last evaluated: 2023-11-13. Review status: criteria provided, single submitter. Criteria: Ambry Variant Classification Scheme 2023. Collection method: clinical testing. Allele origin: germline.
Comment: The p.T236I variant (also known as c.707C>T), located in coding exon 8 of the RAD51D gene, results from a C to T substitution at nucleotide position 707. The threonine at codon 236 is replaced by isoleucine, an amino acid with similar properties. This amino acid position is conserved. In addition, this alteration is predicted to be tolerated by in silico analysis. Since supporting evidence is limited at this time, the clinical significance of this alteration remains unclear.

Labcorp Genetics (formerly Invitae), Labcorp
Classification: Uncertain significance for Breast-ovarian cancer, familial, susceptibility to, 4. Last evaluated: 2023-08-14. Review status: criteria provided, single submitter. Criteria: Invitae Variant Classification Sherloc (09022015). Collection method: clinical testing. Allele origin: germline.
Comment: In summary, the available evidence is currently insufficient to determine the role of this variant in disease. Therefore, it has been classified as a Variant of Uncertain Significance. Advanced modeling of protein sequence and biophysical properties (such as structural, functional, and spatial information, amino acid conservation, physicochemical variation, residue mobility, and thermodynamic stability) performed at Invitae indicates that this missense variant is not expected to disrupt RAD51D protein function. This variant has not been reported in the literature in individuals affected with RAD51D-related conditions. This variant is not present in population databases (gnomAD no frequency). This sequence change replaces threonine, which is neutral and polar, with isoleucine, which is neutral and non-polar, at codon 236 of the RAD51D protein (p.Thr236Ile).